The following is an entry in ClinVar:

ClinVar aggregate classification (germline): Benign/Likely benign. Review status: criteria provided, multiple submitters, no conflicts (2 of 4 stars). 6 submissions from 6 submitters: Benign (2); Likely benign (4). Last evaluated 2025-12-03.

Conditions:
Hypogonadotropic hypogonadism 3 with or without anosmia (HH3). Also called: HYPOGONADOTROPIC HYPOGONADISM 3 WITH ANOSMIA; PROKR2-Related GnRH Deficiency (Kallmann Syndrome 3). Identifiers: Orphanet 478, MedGen C3550478, MONDO:0009482, OMIM 244200.

Allele frequency attached by ClinVar (database versions not stated): ESP Exome Variant Server 0.00069; TOPMed 0.00071; gnomAD 0.00076 and 0.00078; 1000 Genomes Project 30x 0.00078; 1000 Genomes Project 0.00080; gnomAD exomes 0.00129; ExAC 0.00133.
gnomAD v4.1: 1,448 of 1,614,212 alleles (0.09%); highest among the groups gnomAD compares: South Asian, 0.3%; 6 homozygotes.

Submissions (6):

Labcorp Genetics (formerly Invitae), Labcorp
Classification: Benign. Last evaluated: 2025-12-03. Review status: criteria provided, single submitter. Criteria: Invitae Variant Classification Sherloc (09022015). Collection method: clinical testing. Allele origin: germline.

CeGaT Center for Human Genetics Tuebingen
Classification: Likely benign. Last evaluated: 2025-12-01. Review status: criteria provided, single submitter. Criteria: CeGaT Center For Human Genetics Tuebingen Variant Classification Criteria Version 2. Collection method: clinical testing. Allele origin: germline. Affected: yes. Observed: 5 variant alleles.
Comment: PROKR2: BP4, BP7

Blueprint Genetics
Classification: Likely benign. Last evaluated: 2024-11-19. Review status: criteria provided, single submitter. Criteria: ACMG Guidelines, 2015. Collection method: clinical testing. Allele origin: germline.

GeneDx
Classification: Likely benign. Last evaluated: 2019-10-03. Review status: criteria provided, single submitter. Criteria: GeneDx Variant Classification Process June 2021. Collection method: clinical testing. Allele origin: germline. Affected: yes.

Illumina Laboratory Services, Illumina
Classification: Benign for Hypogonadotropic hypogonadism 3 with or without anosmia. Last evaluated: 2018-01-13. Review status: criteria provided, single submitter. Criteria: ICSL Variant Classification Criteria 13 December 2019. Collection method: clinical testing. Allele origin: germline.
Comment: This variant was observed in the ICSL laboratory as part of a predisposition screen in an ostensibly healthy population. It had not been previously curated by ICSL or reported in the Human Gene Mutation Database (HGMD: prior to June 1st, 2018), and was therefore a candidate for classification through an automated scoring system. Utilizing variant allele frequency, disease prevalence and penetrance estimates, and inheritance mode, an automated score was calculated to assess if this variant is too frequent to cause the disease. Based on the score and internal cut-off values, a variant classified as benign is not then subjected to further curation. The score for this variant resulted in a classification of benign for this disease.

Breakthrough Genomics
Classification: Likely benign. Review status: criteria provided, single submitter. Criteria: ACMG Guidelines, 2015. Collection method: not provided. Allele origin: germline. Inheritance: Autosomal dominant inheritance. Affected: yes.

NM_144773.4(PROKR2):c.375C>T (p.His125=)

Gene: PROKR2 (prokineticin receptor 2; minus strand). Cytogenetic location: 20p12.3.
Variant type: single nucleotide variant.
Coding change: c.375C>T on transcript NM_144773.4 (MANE Select); coding-DNA position 375, C replaced by T.
Protein change: p.His125=; no amino-acid change (histidine 125 retained).
Molecular consequence: synonymous variant.
Genome position (GRCh38, 1-based): chr20:5,313,995, G>A on the plus strand (C>T on the coding strand, the complement: PROKR2 is on the minus strand). VCF-style: chr20-5313995-G-A. GRCh37 (hg19) VCF-style: chr20-5294641-G-A.
Identifiers: ClinVar variation 695243 (VCV000695243.39), dbSNP rs148596437, ClinGen allele CA9754369.